The following is an entry in ClinVar:

NM_003000.3(SDHB):c.642G>C (p.Gln214His)

Gene: SDHB (succinate dehydrogenase complex iron sulfur subunit B; minus strand). Cytogenetic location: 1p36.13.
Variant type: single nucleotide variant.
Coding change: c.642G>C on transcript NM_003000.3 (MANE Select); coding-DNA position 642, G replaced by C.
Protein change: p.Gln214His; replaces glutamine 214 with histidine.
Molecular consequence: missense variant.
Genome position (GRCh38, 1-based): chr1:17,023,973, C>G on the plus strand (G>C on the coding strand, the complement: SDHB is on the minus strand). VCF-style: chr1-17023973-C-G. GRCh37 (hg19) VCF-style: chr1-17350468-C-G.
Other names: short protein forms Q214H.
Identifiers: ClinVar variation 438426 (VCV000438426.15), dbSNP rs1278834014, ClinGen allele CA338270924.

ClinVar aggregate classification (germline): Conflicting classifications of pathogenicity. Review status: criteria provided, conflicting classifications (1 of 4 stars). 7 submissions from 7 submitters: Pathogenic (4); Likely pathogenic (1); Uncertain significance (1). 1 of the submissions does not count toward it. Last evaluated 2026-04-22.

Conditions:
Pheochromocytoma/paraganglioma syndrome 4. Also called: PARAGANGLIOMA, FAMILIAL MALIGNANT; PARAGANGLIOMAS, HEREDITARY EXTRAADRENAL; PHEOCHROMOCYTOMA, FAMILIAL EXTRAADRENAL; Paragangliomas 4; CAROTID BODY TUMORS AND MULTIPLE EXTRAADRENAL PHEOCHROMOCYTOMAS; SDHB-Related Hereditary Paraganglioma-Pheochromocytoma Syndrome (Paragangliomas 4). Identifiers: Orphanet 29072, MedGen C1861848, MONDO:0007273, OMIM 115310.
Hereditary cancer-predisposing syndrome. Also called: Neoplastic Syndromes, Hereditary; Hereditary Cancer Syndrome; Hereditary neoplastic syndrome; Tumor predisposition. Identifiers: Orphanet 140162, MedGen C0027672, MeSH D009386, MONDO:0015356.
Gastrointestinal stromal tumor. Also called: Gastrointestinal stroma tumor; Gastrointestinal stromal tumor, somatic. Identifiers: Orphanet 44890, MedGen C0238198, MeSH D046152, MONDO:0011719, OMIM 606764, HP:0100723.
Pheochromocytoma. Also called: MAX-Related Hereditary Paraganglioma-Pheochromocytoma Syndrome. Identifiers: Orphanet 29072, MedGen C0031511, MONDO:0008233, OMIM 171300, HP:0002666.
Hereditary pheochromocytoma and paraganglioma. Also called: Hereditary Paraganglioma-Pheochromocytoma Syndromes; Hereditary pheochromocytoma-paraganglioma; Hereditary paragangliomas and pheochromocytomas. Identifiers: Orphanet 29072, MedGen C4274332, MONDO:0017366.

gnomAD v4.1: 1 of 1,609,708 alleles (0.000062%); highest among the groups gnomAD compares: Non-Finnish European, 0.000085%; no homozygotes.

Submissions (7):

Myriad Genetics, Inc.
Classification: Pathogenic for Pheochromocytoma/paraganglioma syndrome 4. Last evaluated: 2026-04-22. Review status: criteria provided, single submitter. Criteria: Myriad Autosomal Dominant, Autosomal Recessive and X-Linked Classification Criteria (2023). Collection method: clinical testing. Allele origin: unknown.
Comment: This variant is considered pathogenic. mRNA analysis has demonstrated abnormal mRNA splicing occurs [PMID: 37900184, 35869040]. This variant has been reported in multiple individuals with clinical features of gene-specific disease [PMID: 35869040, 37900184, 28374168, 16912137, 34439168, 31492822, 21190975].

3billion
Classification: Likely pathogenic for Pheochromocytoma/paraganglioma syndrome 4. Last evaluated: 2025-06-10. Review status: criteria provided, single submitter. Criteria: ACMG Guidelines, 2015. Collection method: clinical testing. Allele origin: germline. Affected: yes.
Comment: The variant is observed at an extremely low frequency in the gnomAD v4.1.0 dataset (total allele frequency: <0.001%). Predicted Consequence/Location: Missense variant In silico tool predictions suggest damaging effect of the variant on gene or gene product [REVEL: 0.89 (>=0.6, sensitivity 0.68 and specificity 0.92); 3Cnet: 0.90 (> 0.75, sensitivity 0.96 and precision 0.92)]. The same nucleotide change resulting in the same amino acid change has been previously reported as pathogenic/likely pathogenic with strong evidence (ClinVar ID: VCV000438426 /PMID: 33219105 /3billion dataset). A different missense change at the same codon (p.Gln214Arg) has been reported as pathogenic/likely pathogenic with strong evidence (ClinVar ID: VCV000412493 /PMID: 24659481). Therefore, this variant is classified as Likely pathogenic according to the recommendation of ACMG/AMP guideline.

Ambry Genetics
Classification: Pathogenic for Hereditary cancer-predisposing syndrome. Last evaluated: 2025-03-13. Review status: criteria provided, single submitter. Criteria: Ambry Variant Classification Scheme 2023. Collection method: clinical testing. Allele origin: germline.
Comment: The c.642G>C pathogenic mutation (also known as p.Q214H), located in coding exon 6 of the SDHB gene, results from a G to C substitution at nucleotide position 642. The amino acid change results in glutamine to histidine at codon 214, an amino acid with highly similar properties. However, this change occurs in the last base pair of coding exon 6, which makes it likely to have some effect on normal mRNA splicing. This variant was reported in individuals with features consistent with SDHB-related paraganglioma-pheochromocytoma syndrome (Brouwers FM et al. J Clin Endocrinol Metab, 2006 Nov;91:4505-9; Jochmanova I et al. J Cancer Res Clin Oncol, 2017 Aug;143:1421-1435; Yonamine M et al. Cancers (Basel), 2021 Aug;13:; Higashi S et al. Hum Genome Var, 2022 Jul;9:25; Ha C et al. Front Genet, 2023 Oct;14:1283611). This variant is considered to be rare based on population cohorts in the Genome Aggregation Database (gnomAD). This nucleotide position is highly conserved in available vertebrate species, and this amino acid position is highly conserved in available vertebrate species. In silico splice site analysis predicts that this alteration will weaken the native splice donor site. RNA studies have demonstrated that this alteration results in a partial intron retention (Higashi S et al. Hum Genome Var, 2022 Jul;9:25; Ha C et al. Front Genet, 2023 Oct;14:1283611; Ambry internal data). Other variant(s) impacting the same donor site (c.641A>G and c.642+1G>C) have been shown to have a similar impact on splicing in individual(s) with features consistent with paraganglioma-pheochromocytoma syndrome (Ambry internal data). In addition, as a missense substitution p.Q214H is predicted to be deleterious by in silico analysis. Based on the supporting evidence, this variant is interpreted as a disease-causing mutation.

Women's Health and Genetics/Laboratory Corporation of America, LabCorp
Classification: Pathogenic for Hereditary pheochromocytoma and paraganglioma. Last evaluated: 2024-12-27. Review status: criteria provided, single submitter. Criteria: LabCorp Variant Classification Summary - May 2015. Collection method: clinical testing. Allele origin: germline.
Comment: Variant summary: SDHB c.642G>C (p.Gln214His) results in a non-conservative amino acid change located in the 4Fe-4S dicluster domain of the encoded protein sequence. Four of five in-silico tools predict a damaging effect of the variant on protein function. As the variant alters the last conserved nucleotide of exon 6 adjacent to the intron 6 canonical splicing donor site, several computational tools predict a significant impact on normal splicing: Two predict the variant abolishes the canonical 5' splicing donor site. Two predict the variant weakens the canonical 5' splicing donor site. At least one publication reports experimental evidence that this variant affects mRNA splicing due to retention of intron 6 and a loss of function outcome (Higashi_2022). The variant was absent in 251294 control chromosomes. c.642G>C has been reported in the literature and observed at our laboratory in individuals affected with features of Hereditary Paraganglioma-Pheochromocytoma Syndrome (example, Brouwers_2006, Timmers_2007, Sue_2015, Jochmanova_2017, Bayley_2020, Choi_2020, Yonamine_2022, Higashi_2022, internal data). These data indicate that the variant is likely to be associated with disease. The following publications have been ascertained in the context of this evaluation (PMID: 31492822, 16912137, 33397040, 35869040, 28374168, 25371406, 17200167, 34439168). ClinVar contains an entry for this variant (Variation ID: 438426). Based on the evidence outlined above, the variant was classified as pathogenic.

Labcorp Genetics (formerly Invitae), Labcorp
Classification: Pathogenic for Gastrointestinal stromal tumor; Pheochromocytoma/paraganglioma syndrome 4; Pheochromocytoma. Last evaluated: 2024-11-28. Review status: criteria provided, single submitter. Criteria: Invitae Variant Classification Sherloc (09022015). Collection method: clinical testing. Allele origin: germline.
Comment: This sequence change affects codon 214 of the SDHB mRNA. It is a 'silent' change, meaning that it does not change the encoded amino acid sequence of the SDHB protein. This variant also falls at the last nucleotide of exon 6, which is part of the consensus splice site for this exon. This variant is not present in population databases (gnomAD no frequency). This variant has been observed in individuals with paraganglioma (PMID: 16912137, 28374168, 31492822, 33397040, 35869040; internal data). ClinVar contains an entry for this variant (Variation ID: 438426). An algorithm developed to predict the effect of missense changes on protein structure and function (PolyPhen-2) suggests that this variant is likely to be disruptive. Variants that disrupt the consensus splice site are a relatively common cause of aberrant splicing (PMID: 17576681, 9536098). Algorithms developed to predict the effect of sequence changes on RNA splicing suggest that this variant may disrupt the consensus splice site. This variant disrupts the p.Gln214 amino acid residue in SDHB. Other variant(s) that disrupt this residue have been observed in individuals with SDHB-related conditions (internal data), which suggests that this may be a clinically significant amino acid residue. For these reasons, this variant has been classified as Pathogenic.

All of Us Research Program, National Institutes of Health
Classification: Uncertain significance for Hereditary pheochromocytoma and paraganglioma. Last evaluated: 2023-06-26. Review status: criteria provided, single submitter. Criteria: ACMG Guidelines, 2015. Collection method: clinical testing. Allele origin: germline. Inheritance: Autosomal dominant inheritance. Observed: 1 variant allele, 1 heterozygote.
Comment: This missense variant replaces glutamine with histidine at codon 214 of the SDHB protein. Computational prediction suggests that this variant may have deleterious impact on protein structure and function (internally defined REVEL score threshold >= 0.7, PMID: 27666373). Splice site prediction tools suggest that this variant may impact RNA splicing. To our knowledge, protein and RNA functional studies have not been reported for this variant. This variant has been reported in individuals affected with pheochromocytoma/paraganglioma (PMID: 17200167, 28374168, 31492822, 33397040). This variant has not been identified in the general population by the Genome Aggregation Database (gnomAD). The available evidence is insufficient to determine the role of this variant in disease conclusively. Therefore, this variant is classified as a Variant of Uncertain Significance.

This study involves interpretation of variants in research participants for the purpose of population health screening. Participant phenotype was not available at the time of variant classification. Additional details can be found in publication PMID: 35346344, PMCID: PMC8962531

Section on Medical Neuroendocrinolgy, National Institutes of Health
Classification: Uncertain significance for Hereditary pheochromocytoma and paraganglioma. Review status: no assertion criteria provided. Collection method: research. Allele origin: germline. Not counted in ClinVar's aggregate classification.

Literature cited by the submitters: PubMed 37900184 (cited by Myriad Genetics, Inc. and Ambry Genetics); PubMed 35869040 (cited by 4 submitters); PubMed 28374168 (cited by 5 submitters); PubMed 16912137 (cited by 4 submitters); PubMed 34439168 (cited by 3 submitters); PubMed 31492822 (cited by 4 submitters); PubMed 21190975 (cited by Myriad Genetics, Inc.); PubMed 24659481 (cited by 3billion); PubMed 33219105 (cited by 3billion); PubMed 17200167 (cited by 3 submitters); PubMed 33397040 (cited by 3 submitters); PubMed 25371406 (cited by Women's Health and Genetics/Laboratory Corporation of America, LabCorp); PubMed 17576681 (cited by Labcorp Genetics (formerly Invitae), Labcorp); PubMed 9536098 (cited by Labcorp Genetics (formerly Invitae), Labcorp).